The following is an entry in ClinVar:

ClinVar aggregate classification (germline): Likely pathogenic. Review status: criteria provided, multiple submitters, no conflicts (2 of 4 stars). 2 submissions from 2 submitters: Likely pathogenic (2). Last evaluated 2025-01-14.

Conditions:
Norman-Roberts syndrome (LIS2). Also called: Lissencephaly 2 (Norman-Roberts type). Identifiers: Orphanet 89844, MedGen C0796089, MONDO:0009760, OMIM 257320.
Familial temporal lobe epilepsy 7. Identifiers: Orphanet 101046, MedGen C4225327, MONDO:0014639, OMIM 616436.

Allele frequency attached by ClinVar (database versions not stated): gnomAD 0.00001.
gnomAD v4.1: 1 of 1,611,932 alleles (0.000062%); highest among the groups gnomAD compares: Non-Finnish European, 0.000085%; no homozygotes.

Submissions (2):

GeneDx
Classification: Likely pathogenic. Last evaluated: 2025-01-14. Review status: criteria provided, single submitter. Criteria: GeneDx Variant Classification Process June 2021. Collection method: clinical testing. Allele origin: germline. Affected: yes.
Comment: Canonical splice site variant predicted to result in an in-frame loss of the adjacent exon in a gene for which loss of function is a known mechanism of disease; Not observed at significant frequency in large population cohorts (gnomAD); Has not been previously published as pathogenic or benign to our knowledge

Labcorp Genetics (formerly Invitae), Labcorp
Classification: Likely pathogenic for Familial temporal lobe epilepsy 7; Norman-Roberts syndrome. Last evaluated: 2024-02-05. Review status: criteria provided, single submitter. Criteria: Invitae Variant Classification Sherloc (09022015). Collection method: clinical testing. Allele origin: germline.
Comment: This sequence change affects a donor splice site in intron 27 of the RELN gene. It is expected to disrupt RNA splicing. Variants that disrupt the donor or acceptor splice site typically lead to a loss of protein function (PMID: 16199547), and loss-of-function variants in RELN are known to be pathogenic (PMID: 10973257, 26046367, 28454995). This variant is present in population databases (no rsID available, gnomAD 0.007%). Disruption of this splice site has been observed in individual(s) with clinical features of lissencephaly (Invitae). ClinVar contains an entry for this variant (Variation ID: 1186074). Algorithms developed to predict the effect of sequence changes on RNA splicing suggest that this variant may disrupt the consensus splice site. In summary, the currently available evidence indicates that the variant is pathogenic, but additional data are needed to prove that conclusively. Therefore, this variant has been classified as Likely Pathogenic.

Literature cited by the submitters: PubMed 16199547 (cited by Labcorp Genetics (formerly Invitae), Labcorp); PubMed 10973257 (cited by Labcorp Genetics (formerly Invitae), Labcorp); PubMed 26046367 (cited by Labcorp Genetics (formerly Invitae), Labcorp); PubMed 28454995 (cited by Labcorp Genetics (formerly Invitae), Labcorp).

NM_005045.4(RELN):c.3912+2T>G

Gene: RELN (reelin; minus strand). Cytogenetic location: 7q22.1.
Variant type: single nucleotide variant.
Coding change: c.3912+2T>G on transcript NM_005045.4 (MANE Select); the canonical splice donor site of the intron after coding-DNA position 3912, T replaced by G.
Molecular consequence: splice donor variant.
Genome position (GRCh38, 1-based): chr7:103,593,680, A>C on the plus strand (T>G on the coding strand, the complement: RELN is on the minus strand). VCF-style: chr7-103593680-A-C. GRCh37 (hg19) VCF-style: chr7-103234127-A-C.
Other names: c.3912+2T>G (NM_173054.3).
Identifiers: ClinVar variation 1186074 (VCV001186074.14), dbSNP rs1226957030, ClinGen allele CA368756781.
Genomic context (GRCh38, chr7:103,593,680, plus strand): 5'-TATACATCTGGAAGATATTTTACTCCTTAACTTGCTCTGGGAAGAAGCTTGTGCATAAAT[A>C]CCTTGAACTGTAGCACATATCCAGGTTTCAGGGTCAAATCTCGAGTTACTGCAAATCGAT-3'